The following is an entry in ClinVar:

ClinVar aggregate classification (germline): Conflicting classifications of pathogenicity. Review status: criteria provided, conflicting classifications (1 of 4 stars). 3 submissions from 3 submitters: Uncertain significance (1); Likely benign (2). Last evaluated 2023-01-23.

Conditions:
Obesity. Also called: Obesity disorder. Identifiers: Orphanet 71529, MedGen C0028754, MeSH D009765, MONDO:0011122, HP:0001513.

Allele frequency attached by ClinVar (database versions not stated): gnomAD 0.00006 and 0.00008; ExAC 0.00007; gnomAD exomes 0.00010 and 0.00017; TOPMed 0.00011; ESP Exome Variant Server 0.00023.
gnomAD v4.1: 250 of 1,613,996 alleles (0.015%); highest among the groups gnomAD compares: Non-Finnish European, 0.02%; no homozygotes.

Submissions (3):

Blueprint Genetics
Classification: Likely benign. Last evaluated: 2023-01-23. Review status: criteria provided, single submitter. Criteria: ACMG Guidelines, 2015. Collection method: clinical testing. Allele origin: germline.

Genetic Services Laboratory, University of Chicago
Classification: Likely benign. Last evaluated: 2018-02-21. Review status: criteria provided, single submitter. Criteria: ACMG Guidelines, 2015. Collection method: clinical testing. Allele origin: germline. Affected: no.

Illumina Laboratory Services, Illumina
Classification: Uncertain significance for Inherited obesity. Last evaluated: 2017-04-27. Review status: criteria provided, single submitter. Criteria: ICSL Variant Classification Criteria 13 December 2019. Collection method: clinical testing. Allele origin: germline.
Comment: This variant was observed as part of a predisposition screen in an ostensibly healthy population. A literature search was performed for the gene, cDNA change, and amino acid change (where applicable). Publications were found based on this search. However, the evidence from the literature, in combination with allele frequency data from public databases where available, was not sufficient to rule this variant in or out of causing disease. Therefore, this variant is classified as a variant of unknown significance.

Literature cited by the submitters: PubMed 23505181 (cited by Illumina Laboratory Services, Illumina).

NM_005912.3(MC4R):c.405A>C (p.Ala135=)

Gene: MC4R (melanocortin 4 receptor; minus strand). Cytogenetic location: 18q21.32.
Variant type: single nucleotide variant.
Coding change: c.405A>C on transcript NM_005912.3 (MANE Select); coding-DNA position 405, A replaced by C.
Protein change: p.Ala135=; no amino-acid change (alanine 135 retained).
Molecular consequence: synonymous variant.
Genome position (GRCh38, 1-based): chr18:60,371,945, T>G on the plus strand (A>C on the coding strand, the complement: MC4R is on the minus strand). VCF-style: chr18-60371945-T-G. GRCh37 (hg19) VCF-style: chr18-58039178-T-G.
Identifiers: ClinVar variation 892155 (VCV000892155.8), dbSNP rs140773238, ClinGen allele CA8980931.